The following is an entry in ClinVar:

NM_001079843.3(CASZ1):c.4352dup (p.Leu1452fs)

Gene: CASZ1 (castor zinc finger 1; minus strand). Cytogenetic location: 1p36.22.
Variant type: Duplication.
Coding change: c.4352dup on transcript NM_001079843.3 (MANE Select); coding-DNA position 4352, one base duplicated (C; older notation c.4352dupC).
Protein change: p.Leu1452fs; shifts the reading frame from leucine 1452.
Molecular consequence: frameshift variant.
Genome position (GRCh38, 1-based): chr1:10,639,870, G duplicated on the plus strand (C on the coding strand, the reverse complement: CASZ1 is on the minus strand). VCF-style (leftmost placement, unchanged base first): chr1-10639869-C-CG. GRCh37 (hg19) VCF-style: chr1-10699926-C-CG.
Other names: short protein forms L1452fs.
Identifiers: ClinVar variation 1357480 (VCV001357480.6), dbSNP rs2124663250, ClinGen allele CA2573130691.
Genomic context (GRCh38, chr1:10,639,869, plus strand): 5'-GCGCCCGCAGAACTTGTAGCCGCAGTTCTCGCGCGTGCAGTGGTAGTGGGTGACCTTGAG[C>CG]GAGAACTGACAAGCTGCGTCCTTGCAGTCCTCGTAAAGGTCGAAGCGCCGGAAGCCCTCC-3'

ClinVar aggregate classification (germline): Uncertain significance (1 of 4 stars; one submission).

Submission:

Labcorp Genetics (formerly Invitae), Labcorp
Classification: Uncertain significance. Last evaluated: 2021-05-30. Review status: criteria provided, single submitter. Criteria: Invitae Variant Classification Sherloc (09022015). Collection method: clinical testing. Allele origin: germline.
Comment: In summary, the available evidence is currently insufficient to determine the role of this variant in disease. Therefore, it has been classified as a Variant of Uncertain Significance. Experimental studies and prediction algorithms are not available or were not evaluated, and the functional significance of this variant is currently unknown. This variant has not been reported in the literature in individuals with CASZ1-related conditions. This variant is not present in population databases (ExAC no frequency). This sequence change results in a frameshift in the CASZ1 gene (p.Leu1452Alafs*375). While this is not anticipated to result in nonsense mediated decay, it is expected to disrupt the last 308 amino acid(s) of the CASZ1 protein and extend the protein by 66 additional amino acid residues.